The following is an entry in ClinVar:

NM_001040716.2(PC):c.2971G>T (p.Glu991Ter)

Gene: PC (pyruvate carboxylase; minus strand). Cytogenetic location: 11q13.2.
Variant type: single nucleotide variant.
Coding change: c.2971G>T on transcript NM_001040716.2 (MANE Select); coding-DNA position 2971, G replaced by T.
Protein change: p.Glu991Ter; replaces glutamic acid 991 with a stop codon.
Molecular consequence: nonsense.
Genome position (GRCh38, 1-based): chr11:66,849,787, C>A on the plus strand (G>T on the coding strand, the complement: PC is on the minus strand). VCF-style: chr11-66849787-C-A. GRCh37 (hg19) VCF-style: chr11-66617258-C-A.
Other names: c.2971G>T, p.Glu991Ter (NM_000920.4, NM_022172.3); short protein forms E991*.
Identifiers: ClinVar variation 1726517 (VCV001726517.3), dbSNP rs2495406056, ClinGen allele CA381491450.

ClinVar aggregate classification (germline): Likely pathogenic. Review status: criteria provided, multiple submitters, no conflicts (2 of 4 stars). 2 submissions from 2 submitters: Likely pathogenic (2). Last evaluated 2024-03-28.

Conditions:
Pyruvate carboxylase deficiency. Also called: ATAXIA WITH LACTIC ACIDOSIS II; LEIGH NECROTIZING ENCEPHALOPATHY DUE TO PYRUVATE CARBOXYLASE DEFICIENCY; LEIGH SYNDROME DUE TO PYRUVATE CARBOXYLASE DEFICIENCY; PC DEFICIENCY; Pyruvate Carboxylase Deficiency Disease. Identifiers: Orphanet 3008, MedGen C0034341, MONDO:0009949, OMIM 266150.

Submissions (2):

Fulgent Genetics
Classification: Likely pathogenic for Pyruvate carboxylase deficiency. Last evaluated: 2024-03-28. Review status: criteria provided, single submitter. Criteria: ACMG Guidelines, 2015. Collection method: clinical testing. Allele origin: germline.

Myriad Genetics, Inc.
Classification: Likely pathogenic for Pyruvate carboxylase deficiency. Last evaluated: 2021-12-17. Review status: criteria provided, single submitter. Criteria: Myriad Women's Health Autosomal Recessive and X-Linked Classification Criteria (2021). Collection method: clinical testing. Allele origin: unknown.
Comment: NM_000920.3(PC):c.2971G>T(E991*) is expected to be pathogenic in the context of pyruvate carboxylase deficiency. This variant is predicted to lead to an abnormal or absent protein product due to the creation of a premature termination codon in PC, a gene where loss-of-function variants are known to be pathogenic. Please note: this variant was assessed in the context of healthy population screening.